The following is an entry in ClinVar:

ClinVar aggregate classification (germline): Likely benign (0 of 4 stars; one submission).

Conditions:
SH2B1-related disorder. Also called: SH2B1-related condition.

Allele frequency attached by ClinVar (database versions not stated): TOPMed below 0.00001; gnomAD 0.00005; gnomAD exomes 0.00013; 1000 Genomes Project 0.00020; ExAC 0.00040; 1000 Genomes Project 30x 0.00047.
gnomAD v4.1: 185 of 1,607,830 alleles (0.012%); highest among the groups gnomAD compares: South Asian, 0.2%; 4 homozygotes.

Submission:

PreventionGenetics, part of Exact Sciences
Classification: Likely benign for SH2B1-related condition. Last evaluated: 2022-01-07. Review status: no assertion criteria provided. Collection method: clinical testing. Allele origin: germline.
Comment: This variant is classified as likely benign based on ACMG/AMP sequence variant interpretation guidelines (Richards et al. 2015 PMID: 25741868, with internal and published modifications).

NM_001387430.1(SH2B1):c.1898-183C>G

Gene: SH2B1 (SH2B adaptor protein 1; plus strand). Cytogenetic location: 16p11.2.
Variant type: single nucleotide variant.
Coding change: c.1898-183C>G on transcript NM_001387430.1 (MANE Select); 183 bases into the intron before coding-DNA position 1898, C replaced by G.
Molecular consequence: intron variant. On other transcripts: missense variant (5).
Genome position (GRCh38, 1-based): chr16:28,873,264, C>G. VCF-style: chr16-28873264-C-G. GRCh37 (hg19) VCF-style: chr16-28884585-C-G.
Other names: c.1992C>G, p.Asp664Glu (NM_001145796.2, NM_001145812.2, NM_015503.3); c.2045C>G, p.Thr682Ser (NM_001145797.2); c.984C>G, p.Asp328Glu (NM_001308294.2); c.1898-183C>G (NM_001308293.2, NM_001387404.1, NM_001145795.2); short protein forms D328E, D664E, T682S.
Identifiers: ClinVar variation 3029364 (VCV003029364.2), dbSNP rs550079240, ClinGen allele CA7986371.